The following is an entry in ClinVar:

NC_000023.10:g.(31279134_31341714)_(31986632_32235032)dup

Gene: DMD (dystrophin; minus strand). Cytogenetic location: Xp21.2-21.1.
Variant type: Duplication.
Identifiers: ClinVar variation 3385207 (VCV003385207.1).

ClinVar aggregate classification (germline): Likely pathogenic (1 of 4 stars; one submission).

Conditions:
Neuromuscular disease caused by qualitative or quantitative defects of dystrophin. Also called: Qualitative or quantitative defects of dystrophin. Identifiers: Orphanet 207085, MedGen C5679787, MONDO:0016147.

Submission:

Women's Health and Genetics/Laboratory Corporation of America, LabCorp
Classification: Likely pathogenic for Neuromuscular disease caused by qualitative or quantitative defects of dystrophin. Last evaluated: 2024-10-18. Review status: criteria provided, single submitter. Criteria: LabCorp Variant Classification Summary - May 2015. Collection method: clinical testing. Allele origin: germline.
Comment: Variant summary: The variant involves the duplication of exons 45-62 in the DMD gene. It is assumed to be a tandem duplication in direct orientation (PMIDs: 25640679, 30054569). This Copy Number Variant (CNV) is expected to alter the reading frame and predicted to result in a truncation or absence of the encoded protein due to nonsense mediated decay (NMD). A presumed nomenclature of c.(6438+1_6439-1)_(9224+1_9225-1)dup has been designated for the purposes of this classification. The variant was absent in 16092 control chromosomes. c.(6438+1_6439-1)_(9224+1_9225-1)dup has been reported in the literature in individuals affected with Duchenne Muscular Dystrophy (Annexstad_2019, Kalman_2011) and dilated cardiomyopathy (Mates_2018 ) . These data indicate that the variant may be associated with disease. To our knowledge, no experimental evidence demonstrating an impact on protein function has been reported. The following publications have been ascertained in the context of this evaluation (PMID: 21354051, 29511324, 31381525). ClinVar contains an entry for this variant (Variation ID: 583656). Based on the evidence outlined above, the variant was classified as likely pathogenic.

Literature cited by the submitters: PubMed 29511324; PubMed 31381525; PubMed 21354051.